The following is an entry in ClinVar:

ClinVar aggregate classification (germline): Uncertain significance (1 of 4 stars; one submission).

Conditions:
Ullrich congenital muscular dystrophy 2 (UCMD2). Identifiers: Orphanet 75840, MedGen C4225314, MONDO:0014654, OMIM 616470.
Bethlem myopathy 2 (BTHLM2). Identifiers: Orphanet 536516, Orphanet 610, MedGen C4225313, MONDO:0034022, OMIM 616471.

Submission:

Labcorp Genetics (formerly Invitae), Labcorp
Classification: Uncertain significance for Bethlem myopathy 2; Ullrich congenital muscular dystrophy 2. Last evaluated: 2025-02-28. Review status: criteria provided, single submitter. Criteria: Invitae Variant Classification Sherloc (09022015). Collection method: clinical testing. Allele origin: germline.
Comment: This sequence change replaces isoleucine, which is neutral and non-polar, with threonine, which is neutral and polar, at codon 472 of the COL12A1 protein (p.Ile472Thr). This variant is not present in population databases (gnomAD no frequency). This variant has not been reported in the literature in individuals affected with COL12A1-related conditions. Invitae Evidence Modeling of protein sequence and biophysical properties (such as structural, functional, and spatial information, amino acid conservation, physicochemical variation, residue mobility, and thermodynamic stability) has been performed for this missense variant. However, the output from this modeling did not meet the statistical confidence thresholds required to predict the impact of this variant on COL12A1 protein function. In summary, the available evidence is currently insufficient to determine the role of this variant in disease. Therefore, it has been classified as a Variant of Uncertain Significance.

NM_004370.6(COL12A1):c.1415T>C (p.Ile472Thr)

Gene: COL12A1 (collagen type XII alpha 1 chain; minus strand). Cytogenetic location: 6q13.
Variant type: single nucleotide variant.
Coding change: c.1415T>C on transcript NM_004370.6 (MANE Select); coding-DNA position 1415, T replaced by C.
Protein change: p.Ile472Thr; replaces isoleucine 472 with threonine.
Molecular consequence: missense variant. On other transcripts: intron variant (2).
Genome position (GRCh38, 1-based): chr6:75,183,526, A>G on the plus strand (T>C on the coding strand, the complement: COL12A1 is on the minus strand). VCF-style: chr6-75183526-A-G. GRCh37 (hg19) VCF-style: chr6-75893242-A-G.
Other names: c.1415T>C, p.Ile472Thr (NM_001424113.1, NM_001424114.1, NM_001424115.1); c.73+19194T>C (NM_001424116.1, NM_080645.3); short protein forms I472T.
Identifiers: ClinVar variation 4792924 (VCV004792924.1).